The following is an entry in ClinVar:

NM_001048174.2(MUTYH):c.304+2T>G

Gene: MUTYH (mutY DNA glycosylase; minus strand). Cytogenetic location: 1p34.1.
Variant type: single nucleotide variant.
Coding change: c.304+2T>G on transcript NM_001048174.2 (MANE Select); the canonical splice donor site of the intron after coding-DNA position 304, T replaced by G.
Molecular consequence: splice donor variant.
Genome position (GRCh38, 1-based): chr1:45,333,283, A>C on the plus strand (T>G on the coding strand, the complement: MUTYH is on the minus strand). VCF-style: chr1-45333283-A-C. GRCh37 (hg19) VCF-style: chr1-45798955-A-C.
Other names: c.304+2T>G (NM_001407072.1, NM_001048171.2, NM_001407070.1 and 6 more transcripts); c.33+2T>G (NM_001350651.2, NM_001350650.2, NM_001407082.1); c.28+2T>G (NM_001293192.2, NM_001293196.2, NM_001407091.1); c.346+2T>G (NM_001407073.1, NM_001407083.1, NM_001407085.1); c.349+2T>G (NM_001293190.2); c.379+2T>G (NM_001407069.1, NM_012222.3); c.388+2T>G (NM_001128425.2); c.307+2T>G (NM_001407071.1, NM_001407079.1, NM_001048172.2 and 2 more transcripts); and 3 more.
Identifiers: ClinVar variation 2695711 (VCV002695711.4), dbSNP rs2524243548, ClinGen allele CA340136222.
Genomic context (GRCh38, chr1:45,333,283, plus strand): 5'-CACAGCCCCCAGACCCAAGGGCCTCGAGGCAAAGTGGCCCTGCTCTCAGGAGATGTACTG[A>C]CCAGCATATGCCCGCCTGTCCAGGTCCATCTCATCTTCTGCCTGTCAATGCAACCCCAGA-3'

ClinVar aggregate classification (germline): Likely pathogenic (1 of 4 stars; one submission).

Conditions:
Familial adenomatous polyposis 2. Also called: COLORECTAL ADENOMATOUS POLYPOSIS, AUTOSOMAL RECESSIVE; ADENOMAS, MULTIPLE COLORECTAL, AUTOSOMAL RECESSIVE; FAP type 2; MUTYH Polyposis; MYH-associated polyposis; Adenomas, multiple colorectal. Identifiers: Orphanet 220460, Orphanet 247798, MedGen C3272841, MONDO:0012041, OMIM 608456.

Submissions (2):

Labcorp Genetics (formerly Invitae), Labcorp
Classification: Likely pathogenic for Familial adenomatous polyposis 2. Last evaluated: 2023-11-14. Review status: criteria provided, single submitter. Criteria: Invitae Variant Classification Sherloc (09022015). Collection method: clinical testing. Allele origin: germline.
Comment: This sequence change affects a donor splice site in intron 4 of the MUTYH gene. It is expected to disrupt RNA splicing. Variants that disrupt the donor or acceptor splice site typically lead to a loss of protein function (PMID: 16199547), and loss-of-function variants in MUTYH are known to be pathogenic (PMID: 18534194, 20663686). This variant is not present in population databases (gnomAD no frequency). This variant has not been reported in the literature in individuals affected with MUTYH-related conditions. Algorithms developed to predict the effect of sequence changes on RNA splicing suggest that this variant may disrupt the consensus splice site. In summary, the currently available evidence indicates that the variant is pathogenic, but additional data are needed to prove that conclusively. Therefore, this variant has been classified as Likely Pathogenic.

Dr. Peter K. Rogan Lab, Western University
No classification provided (evidence only). Condition: Ovarian serous cystadenocarcinoma. Review status: no classification provided. Collection method: in vitro. Allele origin: not applicable. Functional consequence: retained intron. Not counted in ClinVar's aggregate classification.

Literature cited by the submitters: PubMed 16199547 (cited by Labcorp Genetics (formerly Invitae), Labcorp); PubMed 18534194 (cited by Labcorp Genetics (formerly Invitae), Labcorp); PubMed 20663686 (cited by Labcorp Genetics (formerly Invitae), Labcorp).